The following is an entry in ClinVar:

NM_004036.5(ADCY3):c.1663-23_1663-10dup

Gene: ADCY3 (adenylate cyclase 3; minus strand). Cytogenetic location: 2p23.3.
Variant type: Duplication.
Coding change: c.1663-23_1663-10dup on transcript NM_004036.5 (MANE Select); 23 bases into the intron before coding-DNA position 1663 through 10 bases into the intron before coding-DNA position 1663, 14 bases duplicated (CACGCTGCCTCCCT).
Molecular consequence: intron variant.
Genome position (GRCh38, 1-based): chr2:24,834,946-24,834,959, AGGGAGGCAGCGTG duplicated on the plus strand (CACGCTGCCTCCCT on the coding strand, the reverse complement: ADCY3 is on the minus strand); duplicating any 14 consecutive bases within chr2:24,834,946-24,834,961 gives the same sequence; the c. name uses the placement nearest the transcript's 3' end. VCF-style (leftmost placement, unchanged base first): chr2-24834945-C-CAGGGAGGCAGCGTG. GRCh37 (hg19) VCF-style: chr2-25057814-C-CAGGGAGGCAGCGTG.
Other names: c.1663-23_1663-10dup (NM_001377130.1, NM_001377129.1, NM_001320613.2 and 1 more transcripts); c.1729-23_1729-10dup (NM_001377128.1); c.940-23_940-10dup (NM_001377131.1).
Identifiers: ClinVar variation 4994659 (VCV004994659.1).

ClinVar aggregate classification (germline): Likely benign (1 of 4 stars; one submission).

Conditions:
ADCY3-related disorder. Also called: ADCY3-related condition.

Submission:

PreventionGenetics, part of Exact Sciences
Classification: Likely benign for ADCY3-related condition. Last evaluated: 2026-03-23. Review status: criteria provided, single submitter. Criteria: ACMG Guidelines, 2015. Collection method: clinical testing. Allele origin: germline.
Comment: This variant is classified as likely benign based on ACMG/AMP sequence variant interpretation guidelines (Richards et al. 2015 PMID: 25741868, with internal and published modifications).